The following is an entry in ClinVar:

ClinVar aggregate classification (germline): Pathogenic. Review status: criteria provided, multiple submitters, no conflicts (2 of 4 stars). 5 submissions from 5 submitters: Pathogenic (4). 1 of the submissions does not count toward it. Last evaluated 2022-05-30.

Conditions:
KBG syndrome (KBGS). Also called: ANKRD11-Related KBG Syndrome. Identifiers: Orphanet 2332, MedGen C0220687, MONDO:0007846, OMIM 148050.
Intellectual disability. Also called: Intellectual developmental disorder; Intellectual functioning disability; intellectual disabilities. Identifiers: MedGen C3714756, MeSH D008607, MONDO:0001071, HP:0001249.

Submissions (5):

Institute of Human Genetics Munich, TUM University Hospital
Classification: Pathogenic for KBG syndrome. Last evaluated: 2022-05-30. Review status: criteria provided, single submitter. Criteria: Classification criteria August 2017. Collection method: clinical testing. Allele origin: de novo. Inheritance: Autosomal dominant inheritance. Affected: yes. Observed: 1 variant allele.

GeneDx
Classification: Pathogenic. Last evaluated: 2022-05-08. Review status: criteria provided, single submitter. Criteria: GeneDx Variant Classification Process June 2021. Collection method: clinical testing. Allele origin: germline. Affected: yes.
Comment: Nonsense variant predicted to result in protein truncation or nonsense-mediated decay in a gene for which loss-of-function is a known mechanism of disease; Not observed at significant frequency in large population cohorts (gnomAD); This variant is associated with the following publications: (PMID: 27667800)

Fulgent Genetics
Classification: Pathogenic for KBG syndrome. Last evaluated: 2022-02-18. Review status: criteria provided, single submitter. Criteria: ACMG Guidelines, 2015. Collection method: clinical testing. Allele origin: unknown.

Labcorp Genetics (formerly Invitae), Labcorp
Classification: Pathogenic for KBG syndrome. Last evaluated: 2018-03-30. Review status: criteria provided, single submitter. Criteria: Invitae Variant Classification Sherloc (09022015). Collection method: clinical testing. Allele origin: germline.
Comment: This sequence change creates a premature translational stop signal (p.Tyr1402*) in the ANKRD11 gene. It is expected to result in an absent or disrupted protein product. For these reasons, this variant has been classified as Pathogenic. Loss-of-function variants in ANKRD11 are known to be pathogenic (PMID: 21782149, 25413698). This variant has been reported in an individual affected with KBG syndrome (PMID: 27667800). This variant is not present in population databases (ExAC no frequency).

Diagnostic Laboratory, Strasbourg University Hospital
Classification: Pathogenic for Intellectual disability. Last evaluated: 2017-12-01. Review status: no assertion criteria provided. Collection method: clinical testing. Allele origin: de novo. Affected: yes. Observed: 1 heterozygote. Not counted in ClinVar's aggregate classification.

Literature cited by the submitters: PubMed 21782149 (cited by Labcorp Genetics (formerly Invitae), Labcorp); PubMed 25413698 (cited by Labcorp Genetics (formerly Invitae), Labcorp); PubMed 27667800 (cited by Labcorp Genetics (formerly Invitae), Labcorp).

NM_013275.6(ANKRD11):c.4206C>G (p.Tyr1402Ter)

Gene: ANKRD11 (ankyrin repeat domain 11; minus strand). Cytogenetic location: 16q24.3.
Variant type: single nucleotide variant.
Coding change: c.4206C>G on transcript NM_013275.6 (MANE Select); coding-DNA position 4206, C replaced by G.
Protein change: p.Tyr1402Ter; replaces tyrosine 1402 with a stop codon.
Molecular consequence: nonsense.
Genome position (GRCh38, 1-based): chr16:89,282,336, G>C on the plus strand (C>G on the coding strand, the complement: ANKRD11 is on the minus strand). VCF-style: chr16-89282336-G-C. GRCh37 (hg19) VCF-style: chr16-89348744-G-C.
Other names: c.4206C>G, p.Tyr1402Ter (NM_001256182.2, NM_001256183.2); short protein forms Y1402*.
Identifiers: ClinVar variation 579848 (VCV000579848.14), dbSNP rs749632782, ClinGen allele CA397158076.